The following is an entry in ClinVar:

ClinVar aggregate classification (germline): Uncertain significance (1 of 4 stars; one submission).

Conditions:
Spastic paraplegia. Identifiers: MedGen C0037772, HP:0001258.

gnomAD v4.1: 11 of 1,614,112 alleles (0.00068%); highest among the groups gnomAD compares: Non-Finnish European, 0.00085%; no homozygotes.

Submission:

Labcorp Genetics (formerly Invitae), Labcorp
Classification: Uncertain significance for Spastic paraplegia. Last evaluated: 2025-07-14. Review status: criteria provided, single submitter. Criteria: Invitae Variant Classification Sherloc (09022015). Collection method: clinical testing. Allele origin: germline.
Comment: This sequence change replaces alanine, which is neutral and non-polar, with serine, which is neutral and polar, at codon 269 of the ERLIN2 protein (p.Ala269Ser). This variant is present in population databases (rs751521723, gnomAD 0.004%). This variant has not been reported in the literature in individuals affected with ERLIN2-related conditions. ClinVar contains an entry for this variant (Variation ID: 2727819). Invitae Evidence Modeling of protein sequence and biophysical properties (such as structural, functional, and spatial information, amino acid conservation, physicochemical variation, residue mobility, and thermodynamic stability) indicates that this missense variant is not expected to disrupt ERLIN2 protein function with a negative predictive value of 80%. In summary, the available evidence is currently insufficient to determine the role of this variant in disease. Therefore, it has been classified as a Variant of Uncertain Significance.

NM_007175.8(ERLIN2):c.805G>T (p.Ala269Ser)

Gene: ERLIN2 (ER lipid raft associated 2; plus strand). Cytogenetic location: 8p11.23.
Variant type: single nucleotide variant.
Coding change: c.805G>T on transcript NM_007175.8 (MANE Select); coding-DNA position 805, G replaced by T.
Protein change: p.Ala269Ser; replaces alanine 269 with serine.
Molecular consequence: missense variant.
Genome position (GRCh38, 1-based): chr8:37,753,515, G>T. VCF-style: chr8-37753515-G-T. GRCh37 (hg19) VCF-style: chr8-37611033-G-T.
Other names: c.805G>T, p.Ala269Ser (NM_001362878.2); short protein forms A269S.
Identifiers: ClinVar variation 2727819 (VCV002727819.3), dbSNP rs751521723, ClinGen allele CA4710997.